The following is an entry in ClinVar:

NM_005555.4(KRT6B):c.1567G>A (p.Val523Ile)

Gene: KRT6B (keratin 6B; minus strand). Cytogenetic location: 12q13.13.
Variant type: single nucleotide variant.
Coding change: c.1567G>A on transcript NM_005555.4 (MANE Select); coding-DNA position 1567, G replaced by A.
Protein change: p.Val523Ile; replaces valine 523 with isoleucine.
Molecular consequence: missense variant.
Genome position (GRCh38, 1-based): chr12:52,447,318, C>T on the plus strand (G>A on the coding strand, the complement: KRT6B is on the minus strand). VCF-style: chr12-52447318-C-T. GRCh37 (hg19) VCF-style: chr12-52841102-C-T.
Other names: short protein forms V523I.
Identifiers: ClinVar variation 3709163 (VCV003709163.10).

ClinVar aggregate classification (germline): Conflicting classifications of pathogenicity. Review status: criteria provided, conflicting classifications (1 of 4 stars). 2 submissions from 2 submitters: Uncertain significance (1); Likely benign (1). Last evaluated 2025-10-24.

gnomAD v4.1: 135 of 1,613,928 alleles (0.0084%); highest among the groups gnomAD compares: Middle Eastern, 0.016%; no homozygotes.

Submissions (2):

Labcorp Genetics (formerly Invitae), Labcorp
Classification: Uncertain significance. Last evaluated: 2025-10-24. Review status: criteria provided, single submitter. Criteria: Invitae Variant Classification Sherloc (09022015). Collection method: clinical testing. Allele origin: germline.
Comment: This sequence change replaces valine, which is neutral and non-polar, with isoleucine, which is neutral and non-polar, at codon 523 of the KRT6B protein (p.Val523Ile). This variant is present in population databases (rs146173634, gnomAD 0.01%). This variant has not been reported in the literature in individuals affected with KRT6B-related conditions. ClinVar contains an entry for this variant (Variation ID: 3709163). Invitae Evidence Modeling of protein sequence and biophysical properties (such as structural, functional, and spatial information, amino acid conservation, physicochemical variation, residue mobility, and thermodynamic stability) indicates that this missense variant is not expected to disrupt KRT6B protein function with a negative predictive value of 95%. In summary, the available evidence is currently insufficient to determine the role of this variant in disease. Therefore, it has been classified as a Variant of Uncertain Significance.

CeGaT Center for Human Genetics Tuebingen
Classification: Likely benign. Last evaluated: 2025-07-01. Review status: criteria provided, single submitter. Criteria: CeGaT Center For Human Genetics Tuebingen Variant Classification Criteria Version 2. Collection method: clinical testing. Allele origin: germline. Affected: yes. Observed: 1 variant allele.
Comment: KRT6B: BS2